The following is an entry in ClinVar:

NM_033310.3(KCNK4):c.739G>A (p.Ala247Thr)

Genes: KCNK4 (potassium two pore domain channel subfamily K member 4; plus strand), KCNK4-CATSPERZ (KCNK4-CATSPERZ readthrough (NMD candidate); plus strand). Cytogenetic location: 11q13.1.
Variant type: single nucleotide variant.
Coding change: c.739G>A on transcript NM_033310.3 (MANE Select); coding-DNA position 739, G replaced by A.
Protein change: p.Ala247Thr; replaces alanine 247 with threonine.
Molecular consequence: missense variant. On other transcripts: non-coding transcript variant (3).
Genome position (GRCh38, 1-based): chr11:64,298,187, G>A. VCF-style: chr11-64298187-G-A. GRCh37 (hg19) VCF-style: chr11-64065659-G-A.
Other names: c.739G>A, p.Ala247Thr (NM_001317090.2, NM_033311.1); short protein forms A247T.
Identifiers: ClinVar variation 2806682 (VCV002806682.3), dbSNP rs2135233808, ClinGen allele CA381066233.

ClinVar aggregate classification (germline): Uncertain significance (1 of 4 stars; one submission).

Allele frequency attached by ClinVar (database versions not stated): gnomAD exomes below 0.00001.
gnomAD v4.1: 3 of 1,613,756 alleles (0.00019%); highest among the groups gnomAD compares: Non-Finnish European, 0.00025%; no homozygotes.

Submission:

Labcorp Genetics (formerly Invitae), Labcorp
Classification: Uncertain significance. Last evaluated: 2025-01-14. Review status: criteria provided, single submitter. Criteria: Invitae Variant Classification Sherloc (09022015). Collection method: clinical testing. Allele origin: germline.
Comment: This sequence change replaces alanine, which is neutral and non-polar, with threonine, which is neutral and polar, at codon 247 of the KCNK4 protein (p.Ala247Thr). This variant is not present in population databases (gnomAD no frequency). This variant has not been reported in the literature in individuals affected with KCNK4-related conditions. ClinVar contains an entry for this variant (Variation ID: 2806682). An algorithm developed to predict the effect of missense changes on protein structure and function (PolyPhen-2) suggests that this variant is likely to be disruptive. In summary, the available evidence is currently insufficient to determine the role of this variant in disease. Therefore, it has been classified as a Variant of Uncertain Significance.